The following is an entry in ClinVar:

ClinVar aggregate classification (germline): Benign. Review status: criteria provided, multiple submitters, no conflicts (2 of 4 stars). 2 submissions from 2 submitters: Benign (2). Last evaluated 2025-09-22.

Conditions:
Atypical hemolytic-uremic syndrome with thrombomodulin anomaly. Also called: HEMOLYTIC UREMIC SYNDROME, ATYPICAL, SUSCEPTIBILITY TO, 6; AHUS, SUSCEPTIBILITY TO, 6. Identifiers: MedGen C2752036, MONDO:0013044, OMIM 612926. Disease mechanism: gain of function.
Thrombomodulin-related bleeding disorder (THPH12). Also called: Thrombophilia due to thrombomodulin defect. Identifiers: Orphanet 436169, MedGen C3280976, MONDO:0013775, OMIM 614486.

Allele frequency attached by ClinVar (database versions not stated): gnomAD exomes 0.00050 and 0.00117; gnomAD 0.00053 and 0.00068; TOPMed 0.00085; 1000 Genomes Project 0.00140; ExAC 0.00145.

Submissions (2):

Genomenon, Inc
Classification: Benign for Thrombomodulin-related bleeding disorder. Last evaluated: 2025-09-22. Review status: criteria provided, single submitter. Criteria: Genomenon Sequence Variant Interpretation Standards - Updated. Collection method: curation. Allele origin: germline. Affected: no.
Comment: THBD c.*26C>T is a variant located in the 3′ untranslated region (3′ UTR). This variant is present at high allele frequency in population databases. In conclusion, we classify THBD c.*26C>T as a benign variant.

Illumina Laboratory Services, Illumina
Classification: Benign for Atypical hemolytic-uremic syndrome with thrombomodulin anomaly. Last evaluated: 2018-01-13. Review status: criteria provided, single submitter. Criteria: ICSL Variant Classification Criteria 13 December 2019. Collection method: clinical testing. Allele origin: germline.
Comment: This variant was observed in the ICSL laboratory as part of a predisposition screen in an ostensibly healthy population. It had not been previously curated by ICSL or reported in the Human Gene Mutation Database (HGMD: prior to June 1st, 2018), and was therefore a candidate for classification through an automated scoring system. Utilizing variant allele frequency, disease prevalence and penetrance estimates, and inheritance mode, an automated score was calculated to assess if this variant is too frequent to cause the disease. Based on the score and internal cut-off values, a variant classified as benign is not then subjected to further curation. The score for this variant resulted in a classification of benign for this disease.

NM_000361.3(THBD):c.*26C>T

Gene: THBD (thrombomodulin; minus strand). Cytogenetic location: 20p11.21.
Variant type: single nucleotide variant.
Coding change: c.*26C>T on transcript NM_000361.3 (MANE Select); 26 bases downstream of the stop codon, C replaced by T.
Molecular consequence: 3 prime UTR variant.
Genome position (GRCh38, 1-based): chr20:23,047,751, G>A on the plus strand (C>T on the coding strand, the complement: THBD is on the minus strand). VCF-style: chr20-23047751-G-A. GRCh37 (hg19) VCF-style: chr20-23028388-G-A.
Identifiers: ClinVar variation 337880 (VCV000337880.6), dbSNP rs13306852, ClinGen allele CA9787499.